The following is an entry in ClinVar:

ClinVar aggregate classification (germline): Uncertain significance (1 of 4 stars; one submission).

Conditions:
Medulloblastoma (MDB). Also called: Medulloblastoma, somatic; MEDULLOBLASTOMA PREDISPOSITION SYNDROME. Identifiers: Orphanet 616, MedGen C0025149, MeSH D008527, MONDO:0007959, OMIM 155255, HP:0002885.

gnomAD v4.1: 2 of 1,608,768 alleles (0.00012%); highest among the groups gnomAD compares: Non-Finnish European, 0.00017%; no homozygotes.

Submission:

Institute for Genomic Medicine (IGM) Clinical Laboratory, Nationwide Children's Hospital
Classification: Uncertain significance for Medulloblastoma. Last evaluated: 2025-05-05. Review status: criteria provided, single submitter. Criteria: ACMG Guidelines, 2015. Collection method: clinical testing. Allele origin: germline.
Comment: This variant is absent from or present at an exceedingly low frequency in gnomAD, a large-scale control population database (ACMG/AMP: PM2).

NM_001375883.1(GPR161):c.1205-1G>A

Gene: GPR161 (G protein-coupled receptor 161; minus strand). Cytogenetic location: 1q24.2.
Variant type: single nucleotide variant.
Coding change: c.1205-1G>A on transcript NM_001375883.1 (MANE Select); the canonical splice acceptor site of the intron before coding-DNA position 1205, G replaced by A.
Molecular consequence: splice acceptor variant.
Genome position (GRCh38, 1-based): chr1:168,087,705, C>T on the plus strand (G>A on the coding strand, the complement: GPR161 is on the minus strand). VCF-style: chr1-168087705-C-T. GRCh37 (hg19) VCF-style: chr1-168056943-C-T.
Other names: c.809-1G>A (NM_001349635.1, NM_001267612.2); c.1205-1G>A (NM_001349633.1, NM_001349632.1, NM_001349634.1 and 5 more transcripts); c.1265-1G>A (NM_001267609.1); c.863-1G>A (NM_001267614.1); c.1256-1G>A (NM_001267611.1); c.971-1G>A (NM_001267613.1).
Identifiers: ClinVar variation 4759296 (VCV004759296.1).